The following is an entry in ClinVar:

ClinVar aggregate classification (germline): Uncertain significance (1 of 4 stars; one submission).

Allele frequency attached by ClinVar (database versions not stated): gnomAD 0.00001; gnomAD exomes 0.00001; ExAC 0.00002; TOPMed 0.00002.
gnomAD v4.1: 20 of 1,611,668 alleles (0.0012%); highest among the groups gnomAD compares: Admixed American, 0.0017%; no homozygotes.

Submission:

Labcorp Genetics (formerly Invitae), Labcorp
Classification: Uncertain significance. Last evaluated: 2024-07-29. Review status: criteria provided, single submitter. Criteria: Invitae Variant Classification Sherloc (09022015). Collection method: clinical testing. Allele origin: germline.
Comment: This sequence change replaces glycine, which is neutral and non-polar, with glutamic acid, which is acidic and polar, at codon 1491 of the SI protein (p.Gly1491Glu). This variant is present in population databases (rs769141131, gnomAD 0.003%). This variant has not been reported in the literature in individuals affected with SI-related conditions. ClinVar contains an entry for this variant (Variation ID: 1495941). Advanced modeling of protein sequence and biophysical properties (such as structural, functional, and spatial information, amino acid conservation, physicochemical variation, residue mobility, and thermodynamic stability) has been performed at Invitae for this missense variant, however the output from this modeling did not meet the statistical confidence thresholds required to predict the impact of this variant on SI protein function. In summary, the available evidence is currently insufficient to determine the role of this variant in disease. Therefore, it has been classified as a Variant of Uncertain Significance.

NM_001041.4(SI):c.4472G>A (p.Gly1491Glu)

Gene: SI (sucrase-isomaltase; minus strand). Cytogenetic location: 3q26.1.
Variant type: single nucleotide variant.
Coding change: c.4472G>A on transcript NM_001041.4 (MANE Select); coding-DNA position 4472, G replaced by A.
Protein change: p.Gly1491Glu; replaces glycine 1491 with glutamic acid.
Molecular consequence: missense variant.
Genome position (GRCh38, 1-based): chr3:164,998,608, C>T on the plus strand (G>A on the coding strand, the complement: SI is on the minus strand). VCF-style: chr3-164998608-C-T. GRCh37 (hg19) VCF-style: chr3-164716396-C-T.
Other names: short protein forms G1491E.
Identifiers: ClinVar variation 1495941 (VCV001495941.8), dbSNP rs769141131, ClinGen allele CA2689905.